The following is an entry in ClinVar:

NM_000081.4(LYST):c.2832del (p.Ser945fs)

Gene: LYST (lysosomal trafficking regulator; minus strand). Cytogenetic location: 1q42.3.
Variant type: Deletion.
Coding change: c.2832del on transcript NM_000081.4 (MANE Select); coding-DNA position 2832, one base deleted (A; older notation c.2832delA).
Protein change: p.Ser945fs; shifts the reading frame from serine 945.
Molecular consequence: frameshift variant.
Genome position (GRCh38, 1-based): chr1:235,806,304, T deleted on the plus strand (A on the coding strand, the reverse complement: LYST is on the minus strand). VCF-style (leftmost placement, unchanged base first): chr1-235806303-AT-A. GRCh37 (hg19) VCF-style: chr1-235969603-AT-A.
Other names: c.2832del, p.Ser945fs (NM_001301365.1); short protein forms S945fs.
Identifiers: ClinVar variation 1075026 (VCV001075026.8), dbSNP rs2527078803, ClinGen allele CA2499214565.

ClinVar aggregate classification (germline): Pathogenic (1 of 4 stars; one submission).

Conditions:
Chédiak-Higashi syndrome (CHS). Also called: Chediak-Higashi Syndrome. Identifiers: Orphanet 167, MedGen C0007965, MONDO:0008963, OMIM 214500.

Submission:

Labcorp Genetics (formerly Invitae), Labcorp
Classification: Pathogenic for Chédiak-Higashi syndrome. Last evaluated: 2020-08-26. Review status: criteria provided, single submitter. Criteria: Invitae Variant Classification Sherloc (09022015). Collection method: clinical testing. Allele origin: germline.
Comment: This sequence change creates a premature translational stop signal (p.Ser945Leufs*29) in the LYST gene. It is expected to result in an absent or disrupted protein product. This variant is not present in population databases (ExAC no frequency). This variant has been observed in individual(s) with clinical features of Chediak-Higashi syndrome (Invitae). Loss-of-function variants in LYST are known to be pathogenic (PMID: 9215679, 11857544). For these reasons, this variant has been classified as Pathogenic.

Literature cited by the submitters: PubMed 9215679; PubMed 11857544.